The following is an entry in ClinVar:

ClinVar aggregate classification (germline): Uncertain significance (1 of 4 stars; one submission).

gnomAD v4.1: 1 of 1,613,226 alleles (0.000062%); highest among the groups gnomAD compares: East Asian, 0.0022%; no homozygotes.

Submission:

Labcorp Genetics (formerly Invitae), Labcorp
Classification: Uncertain significance. Last evaluated: 2024-04-10. Review status: criteria provided, single submitter. Criteria: Invitae Variant Classification Sherloc (09022015). Collection method: clinical testing. Allele origin: germline.
Comment: This sequence change replaces alanine, which is neutral and non-polar, with valine, which is neutral and non-polar, at codon 1017 of the ITGAM protein (p.Ala1017Val). The frequency data for this variant in the population databases is considered unreliable, as metrics indicate poor data quality at this position in the gnomAD database. This variant has not been reported in the literature in individuals affected with ITGAM-related conditions. An algorithm developed to predict the effect of missense changes on protein structure and function (PolyPhen-2) suggests that this variant is likely to be tolerated. In summary, the available evidence is currently insufficient to determine the role of this variant in disease. Therefore, it has been classified as a Variant of Uncertain Significance.

NM_000632.4(ITGAM):c.3050C>T (p.Ala1017Val)

Gene: ITGAM (integrin subunit alpha M; plus strand). Cytogenetic location: 16p11.2.
Variant type: single nucleotide variant.
Coding change: c.3050C>T on transcript NM_000632.4 (MANE Select); coding-DNA position 3050, C replaced by T.
Protein change: p.Ala1017Val; replaces alanine 1017 with valine.
Molecular consequence: missense variant.
Genome position (GRCh38, 1-based): chr16:31,330,154, C>T. VCF-style: chr16-31330154-C-T. GRCh37 (hg19) VCF-style: chr16-31341475-C-T.
Other names: c.3053C>T, p.Ala1018Val (NM_001145808.2); short protein forms A1017V, A1018V.
Identifiers: ClinVar variation 3685740 (VCV003685740.2).
Genomic context (GRCh38, chr16:31,330,154, plus strand): 5'-CGTGCCACACCAAGGAGCGCTTGCCCTCTCACTCCGACTTTCTGGCTGAGCTTCGGAAGG[C>T]CCCCGTGGTGGTGAGAAGCTAAGTCAGCCCCAGGGCCACACAGAGACCCAGAGCGCTTCC-3'
Protein context (NP_000623.2, residues 1007-1027): HSDFLAELRK[Ala1017Val]PVVNCSIAVC